The following is an entry in ClinVar:

NM_005321.3(H1-4):c.105G>A (p.Ala35=)

Gene: H1-4 (H1.4 linker histone, cluster member; plus strand). Cytogenetic location: 6p22.2.
Variant type: single nucleotide variant.
Coding change: c.105G>A on transcript NM_005321.3 (MANE Select); coding-DNA position 105, G replaced by A.
Protein change: p.Ala35=; no amino-acid change (alanine 35 retained).
Molecular consequence: synonymous variant.
Genome position (GRCh38, 1-based): chr6:26,156,495, G>A. VCF-style: chr6-26156495-G-A. GRCh37 (hg19) VCF-style: chr6-26156723-G-A.
Identifiers: ClinVar variation 4987698 (VCV004987698.1).

ClinVar aggregate classification (germline): Likely benign (1 of 4 stars; one submission).

Conditions:
H1-4-related disorder. Also called: H1-4-related condition.

Submission:

PreventionGenetics, part of Exact Sciences
Classification: Likely benign for H1-4-related condition. Last evaluated: 2026-06-10. Review status: criteria provided, single submitter. Criteria: ACMG Guidelines, 2015. Collection method: clinical testing. Allele origin: germline.
Comment: This variant is classified as likely benign based on ACMG/AMP sequence variant interpretation guidelines (Richards et al. 2015 PMID: 25741868, with internal and published modifications).